The following is an entry in ClinVar:

ClinVar aggregate classification (germline): Uncertain significance. Review status: criteria provided, single submitter (1 of 4 stars). 2 submissions from 2 submitters: Uncertain significance (1). 1 of the submissions does not count toward it. Last evaluated 2022-06-04.

Conditions:
Congenital hyperammonemia, type I. Also called: Carbamoyl-phosphate synthase I deficiency; Carbamoyl phosphate synthetase 1 deficiency; Hyperammonemia due to carbamoyl phosphate synthetase 1 deficiency; CPS 1 deficiency; Carbamyl phosphate synthetase (CPS) deficiency; CPS I DEFICIENCY. Identifiers: Orphanet 147, MedGen C4082171, MONDO:0009376, OMIM 237300.

Allele frequency attached by ClinVar (database versions not stated): ExAC 0.00001; gnomAD 0.00001; gnomAD exomes 0.00001.
gnomAD v4.1: 3 of 1,611,178 alleles (0.00019%); highest among the groups gnomAD compares: East Asian, 0.0067%; no homozygotes.

Submissions (2):

Labcorp Genetics (formerly Invitae), Labcorp
Classification: Uncertain significance for Congenital hyperammonemia, type I. Last evaluated: 2022-06-04. Review status: criteria provided, single submitter. Criteria: Invitae Variant Classification Sherloc (09022015). Collection method: clinical testing. Allele origin: germline.
Comment: This sequence change replaces alanine, which is neutral and non-polar, with glycine, which is neutral and non-polar, at codon 403 of the CPS1 protein (p.Ala403Gly). The frequency data for this variant in the population databases is considered unreliable, as metrics indicate poor data quality at this position in the gnomAD database. This variant has not been reported in the literature in individuals affected with CPS1-related conditions. ClinVar contains an entry for this variant (Variation ID: 957472). Algorithms developed to predict the effect of missense changes on protein structure and function output the following: SIFT: "Tolerated"; PolyPhen-2: "Benign"; Align-GVGD: "Class C0". The glycine amino acid residue is found in multiple mammalian species, which suggests that this missense change does not adversely affect protein function. Algorithms developed to predict the effect of sequence changes on RNA splicing suggest that this variant may create or strengthen a splice site. In summary, the available evidence is currently insufficient to determine the role of this variant in disease. Therefore, it has been classified as a Variant of Uncertain Significance.

Natera, Inc.
Classification: Uncertain significance for Carbamoyl-phosphate synthase I deficiency. Last evaluated: 2021-07-22. Review status: no assertion criteria provided. Collection method: clinical testing. Allele origin: germline. Not counted in ClinVar's aggregate classification.

NM_001875.5(CPS1):c.1208C>G (p.Ala403Gly)

Gene: CPS1 (carbamoyl-phosphate synthase 1; plus strand). Cytogenetic location: 2q34.
Variant type: single nucleotide variant.
Coding change: c.1208C>G on transcript NM_001875.5 (MANE Select); coding-DNA position 1208, C replaced by G.
Protein change: p.Ala403Gly; replaces alanine 403 with glycine.
Molecular consequence: missense variant. On other transcripts: non-coding transcript variant (2).
Genome position (GRCh38, 1-based): chr2:210,594,551, C>G. VCF-style: chr2-210594551-C-G. GRCh37 (hg19) VCF-style: chr2-211459275-C-G.
Other names: c.1208C>G, p.Ala403Gly (NM_001122633.3, NM_001369257.1); c.1241C>G, p.Ala414Gly (NM_001369256.1); short protein forms A414G, A403G.
Identifiers: ClinVar variation 957472 (VCV000957472.9), dbSNP rs754023105, ClinGen allele CA2086302.